The following is an entry in ClinVar:

ClinVar aggregate classification (germline): Uncertain significance. Review status: criteria provided, multiple submitters, no conflicts (2 of 4 stars). 2 submissions from 2 submitters: Uncertain significance (2). Last evaluated 2021-11-28.

Conditions:
Fatal mitochondrial disease due to combined oxidative phosphorylation defect type 3. Also called: ENCEPHALOMYOPATHY, RESPIRATORY FAILURE, AND LACTIC ACIDOSIS; Combined oxidative phosphorylation deficiency 3. Identifiers: Orphanet 168566, MedGen C1864840, MONDO:0012512, OMIM 610505.

Allele frequency attached by ClinVar (database versions not stated): gnomAD exomes below 0.00001 and 0.00001.
gnomAD v4.1: 2 of 1,613,858 alleles (0.00012%); highest among the groups gnomAD compares: Non-Finnish European, 0.00017%; no homozygotes.

Submissions (2):

Labcorp Genetics (formerly Invitae), Labcorp
Classification: Uncertain significance. Last evaluated: 2021-11-28. Review status: criteria provided, single submitter. Criteria: Invitae Variant Classification Sherloc (09022015). Collection method: clinical testing. Allele origin: germline.
Comment: This sequence change replaces alanine, which is neutral and non-polar, with serine, which is neutral and polar, at codon 195 of the TSFM protein (p.Ala195Ser). This variant is present in population databases (no rsID available, gnomAD 0.002%). This variant has not been reported in the literature in individuals affected with TSFM-related conditions. ClinVar contains an entry for this variant (Variation ID: 310015). Algorithms developed to predict the effect of missense changes on protein structure and function (SIFT, PolyPhen-2, Align-GVGD) all suggest that this variant is likely to be tolerated. In summary, the available evidence is currently insufficient to determine the role of this variant in disease. Therefore, it has been classified as a Variant of Uncertain Significance.

Illumina Laboratory Services, Illumina
Classification: Uncertain significance for Fatal mitochondrial disease due to combined oxidative phosphorylation defect type 3. Last evaluated: 2018-01-13. Review status: criteria provided, single submitter. Criteria: ICSL Variant Classification Criteria 13 December 2019. Collection method: clinical testing. Allele origin: germline.

NM_005726.6(TSFM):c.520G>T (p.Ala174Ser)

Gene: TSFM (Ts translation elongation factor, mitochondrial; plus strand). Cytogenetic location: 12q14.1.
Variant type: single nucleotide variant.
Coding change: c.520G>T on transcript NM_005726.6 (MANE Select); coding-DNA position 520, G replaced by T.
Protein change: p.Ala174Ser; replaces alanine 174 with serine.
Molecular consequence: missense variant. On other transcripts: intron variant (1).
Genome position (GRCh38, 1-based): chr12:57,793,022, G>T. VCF-style: chr12-57793022-G-T. GRCh37 (hg19) VCF-style: chr12-58186805-G-T.
Other names: c.583G>T, p.Ala195Ser (NM_001172696.2); c.520G>T, p.Ala174Ser (NM_001172697.2); c.484-3155G>T (NM_001172695.2); short protein forms A174S, A195S.
Identifiers: ClinVar variation 310015 (VCV000310015.48), dbSNP rs886049731, ClinGen allele CA10643059.